The following is an entry in ClinVar:

NM_002470.4(MYH3):c.1002+5G>A

Gene: MYH3 (myosin heavy chain 3; minus strand). Cytogenetic location: 17p13.1.
Variant type: single nucleotide variant.
Coding change: c.1002+5G>A on transcript NM_002470.4 (MANE Select); 5 bases into the intron after coding-DNA position 1002, G replaced by A.
Molecular consequence: intron variant.
Genome position (GRCh38, 1-based): chr17:10,645,924, C>T on the plus strand (G>A on the coding strand, the complement: MYH3 is on the minus strand). VCF-style: chr17-10645924-C-T. GRCh37 (hg19) VCF-style: chr17-10549241-C-T.
Identifiers: ClinVar variation 2631948 (VCV002631948.4), dbSNP rs748696403, ClinGen allele CA8393113.

ClinVar aggregate classification (germline): Uncertain significance. Review status: criteria provided, multiple submitters, no conflicts (2 of 4 stars). 2 submissions from 2 submitters: Uncertain significance (2). Last evaluated 2025-08-29.

Conditions:
MYH3-related disorder. Also called: MYH3-Related Disorders; MYH3-related condition. Identifiers: MedGen CN239329.

Allele frequency attached by ClinVar (database versions not stated): gnomAD exomes 0.00002; ExAC 0.00004.

Submissions (2):

Labcorp Genetics (formerly Invitae), Labcorp
Classification: Uncertain significance. Last evaluated: 2025-08-29. Review status: criteria provided, single submitter. Criteria: Invitae Variant Classification Sherloc (09022015). Collection method: clinical testing. Allele origin: germline.
Comment: This sequence change falls in intron 11 of the MYH3 gene. It does not directly change the encoded amino acid sequence of the MYH3 protein. It affects a nucleotide within the consensus splice site. This variant is present in population databases (rs748696403, gnomAD 0.004%). This variant has not been reported in the literature in individuals affected with MYH3-related conditions. ClinVar contains an entry for this variant (Variation ID: 2631948). Variants that disrupt the consensus splice site are a relatively common cause of aberrant splicing (PMID: 17576681, 9536098). Algorithms developed to predict the effect of sequence changes on RNA splicing suggest that this variant may disrupt the consensus splice site. In summary, the available evidence is currently insufficient to determine the role of this variant in disease. Therefore, it has been classified as a Variant of Uncertain Significance.

PreventionGenetics, part of Exact Sciences
Classification: Uncertain significance for MYH3-related condition. Last evaluated: 2023-07-29. Review status: criteria provided, single submitter. Criteria: ACMG Guidelines, 2015. Collection method: clinical testing. Allele origin: germline.
Comment: The MYH3 c.1002+5G>A variant is predicted to interfere with splicing. To our knowledge, this variant has not been reported in the literature. This variant is reported in 0.0035% of alleles in individuals of European (Non-Finnish) descent in gnomAD. At this time, the clinical significance of this variant is uncertain due to the absence of conclusive functional and genetic evidence.

Literature cited by the submitters: PubMed 17576681 (cited by Labcorp Genetics (formerly Invitae), Labcorp); PubMed 9536098 (cited by Labcorp Genetics (formerly Invitae), Labcorp).